The following is an entry in ClinVar:

NM_002150.3(HPD):c.1122G>A (p.Glu374=)

Genes: HPD (4-hydroxyphenylpyruvate dioxygenase; minus strand), TIALD (transcript inducer of AURKA lysosomal degradation; plus strand). Cytogenetic location: 12q24.31.
Variant type: single nucleotide variant.
Coding change: c.1122G>A on transcript NM_002150.3 (MANE Select); coding-DNA position 1122, G replaced by A.
Protein change: p.Glu374=; no amino-acid change (glutamic acid 374 retained).
Molecular consequence: synonymous variant.
Genome position (GRCh38, 1-based): chr12:121,839,788, C>T on the plus strand (G>A on the coding strand, the complement: HPD is on the minus strand). VCF-style: chr12-121839788-C-T. GRCh37 (hg19) VCF-style: chr12-122277694-C-T.
Other names: c.1005G>A, p.Glu335= (NM_001171993.2).
Identifiers: ClinVar variation 2643488 (VCV002643488.24), dbSNP rs2500280202, ClinGen allele CA482192612.

ClinVar aggregate classification (germline): Likely benign (1 of 4 stars; one submission).

Submission:

CeGaT Center for Human Genetics Tuebingen
Classification: Likely benign. Last evaluated: 2023-03-01. Review status: criteria provided, single submitter. Criteria: CeGaT Center For Human Genetics Tuebingen Variant Classification Criteria Version 2. Collection method: clinical testing. Allele origin: germline. Affected: yes. Observed: 1 variant allele.
Comment: HPD: PM2:Supporting, BP4, BP7